The following is an entry in ClinVar:

NM_006431.3(CCT2):c.446+6T>C

Gene: CCT2 (chaperonin containing TCP1 subunit 2; plus strand). Cytogenetic location: 12q15.
Variant type: single nucleotide variant.
Coding change: c.446+6T>C on transcript NM_006431.3 (MANE Select); 6 bases into the intron after coding-DNA position 446, T replaced by C.
Molecular consequence: intron variant.
Genome position (GRCh38, 1-based): chr12:69,588,268, T>C. VCF-style: chr12-69588268-T-C. GRCh37 (hg19) VCF-style: chr12-69982048-T-C.
Other names: c.305+6T>C (NM_001198842.2).
Identifiers: ClinVar variation 3701795 (VCV003701795.2).

ClinVar aggregate classification (germline): Uncertain significance (1 of 4 stars; one submission).

Submission:

Labcorp Genetics (formerly Invitae), Labcorp
Classification: Uncertain significance. Last evaluated: 2024-11-05. Review status: criteria provided, single submitter. Criteria: Invitae Variant Classification Sherloc (09022015). Collection method: clinical testing. Allele origin: germline.
Comment: This sequence change falls in intron 6 of the CCT2 gene. It does not directly change the encoded amino acid sequence of the CCT2 protein. It affects a nucleotide within the consensus splice site. This variant is not present in population databases (gnomAD no frequency). This variant has not been reported in the literature in individuals affected with CCT2-related conditions. Variants that disrupt the consensus splice site are a relatively common cause of aberrant splicing (PMID: 17576681, 9536098). Algorithms developed to predict the effect of sequence changes on RNA splicing suggest that this variant may disrupt the consensus splice site. In summary, the available evidence is currently insufficient to determine the role of this variant in disease. Therefore, it has been classified as a Variant of Uncertain Significance.

Literature cited by the submitters: PubMed 17576681; PubMed 9536098.